The following is an entry in ClinVar:

ClinVar aggregate classification (germline): Uncertain significance. Review status: criteria provided, multiple submitters, no conflicts (2 of 4 stars). 3 submissions from 3 submitters: Uncertain significance (3). Last evaluated 2025-04-30.

Conditions:
Inborn genetic diseases. Identifiers: MedGen C0950123, MeSH D030342.

Allele frequency attached by ClinVar (database versions not stated): ExAC 0.00001; gnomAD exomes 0.00002 and 0.00007; TOPMed 0.00003; gnomAD 0.00004.
gnomAD v4.1: 116 of 1,613,898 alleles (0.0072%); highest among the groups gnomAD compares: Non-Finnish European, 0.0092%; no homozygotes.

Submissions (3):

Labcorp Genetics (formerly Invitae), Labcorp
Classification: Uncertain significance. Last evaluated: 2025-04-30. Review status: criteria provided, single submitter. Criteria: Invitae Variant Classification Sherloc (09022015). Collection method: clinical testing. Allele origin: germline.
Comment: This sequence change replaces glutamic acid, which is acidic and polar, with lysine, which is basic and polar, at codon 1684 of the RP1 protein (p.Glu1684Lys). This variant is present in population databases (rs757898008, gnomAD 0.004%). This variant has not been reported in the literature in individuals affected with RP1-related conditions. ClinVar contains an entry for this variant (Variation ID: 1506394). An algorithm developed to predict the effect of missense changes on protein structure and function (PolyPhen-2) suggests that this variant is likely to be tolerated. In summary, the available evidence is currently insufficient to determine the role of this variant in disease. Therefore, it has been classified as a Variant of Uncertain Significance.

Ambry Genetics
Classification: Uncertain significance for Inborn genetic diseases. Last evaluated: 2024-12-28. Review status: criteria provided, single submitter. Criteria: Ambry Variant Classification Scheme 2023. Collection method: clinical testing. Allele origin: germline.

Blueprint Genetics
Classification: Uncertain significance. Last evaluated: 2021-07-13. Review status: criteria provided, single submitter. Criteria: ACMG Guidelines, 2015. Collection method: clinical testing. Allele origin: germline.

NM_006269.2(RP1):c.5050G>A (p.Glu1684Lys)

Genes: RP1 (RP1 axonemal microtubule associated; plus strand), LOC126860392 (CDK7 strongly-dependent group 2 enhancer GRCh37_chr8:55541319-55542518; plus strand). Cytogenetic location: 8q12.1.
Variant type: single nucleotide variant.
Coding change: c.5050G>A on transcript NM_006269.2 (MANE Select); coding-DNA position 5050, G replaced by A.
Protein change: p.Glu1684Lys; replaces glutamic acid 1684 with lysine.
Molecular consequence: missense variant. On other transcripts: intron variant (1).
Genome position (GRCh38, 1-based): chr8:54,628,932, G>A. VCF-style: chr8-54628932-G-A. GRCh37 (hg19) VCF-style: chr8-55541492-G-A.
Other names: c.787+6644G>A (NM_001375654.1); c.5050G>A (NM_006269.1); short protein forms E1684K.
Identifiers: ClinVar variation 1506394 (VCV001506394.10), dbSNP rs757898008, ClinGen allele CA4751993.